The following is an entry in ClinVar:

NM_001128126.3(AP4S1):c.82C>T (p.Arg28Cys)

Gene: AP4S1 (adaptor related protein complex 4 subunit sigma 1; plus strand). Cytogenetic location: 14q12.
Variant type: single nucleotide variant.
Coding change: c.82C>T on transcript NM_001128126.3 (MANE Select); coding-DNA position 82, C replaced by T.
Protein change: p.Arg28Cys; replaces arginine 28 with cysteine.
Molecular consequence: missense variant.
Genome position (GRCh38, 1-based): chr14:31,066,278, C>T. VCF-style: chr14-31066278-C-T. GRCh37 (hg19) VCF-style: chr14-31535484-C-T.
Other names: p.Arg28Cys; c.82C>T, p.Arg28Cys (NM_001254726.2, NM_001254727.2, NM_001254728.2 and 2 more transcripts); c.82C>T (NM_007077.3); short protein forms R28C.
Identifiers: ClinVar variation 1694097 (VCV001694097.11), dbSNP rs112987601, ClinGen allele CA7144135.
Genomic context (GRCh38, chr14:31,066,278, plus strand): 5'-GTGAATAAACAAGGGCAGACTCGACTTTCTAAGTACTATGAACATGTGGATATTAATAAG[C>T]GTACACTTCTGGAAACAGAAGTCATAAAGAGCTGTCTCTCTCGATCCAATGAACAAGTAA-3'
Protein context (NP_001121598.1, residues 18-38): KYYEHVDINK[Arg28Cys]TLLETEVIKS

ClinVar aggregate classification (germline): Uncertain significance. Review status: criteria provided, multiple submitters, no conflicts (2 of 4 stars). 4 submissions from 4 submitters: Uncertain significance (4). Last evaluated 2025-03-17.

Conditions:
Spastic paraplegia. Identifiers: MedGen C0037772, HP:0001258.
Inborn genetic diseases. Identifiers: MedGen C0950123, MeSH D030342.

Allele frequency attached by ClinVar (database versions not stated): gnomAD exomes 0.00003; ExAC 0.00006; gnomAD 0.00006; TOPMed 0.00006; ESP Exome Variant Server 0.00023.
gnomAD v4.1: 47 of 1,613,882 alleles (0.0029%); highest among the groups gnomAD compares: Non-Finnish European, 0.0035%; no homozygotes.

Submissions (4):

Labcorp Genetics (formerly Invitae), Labcorp
Classification: Uncertain significance for Spastic paraplegia. Last evaluated: 2025-03-17. Review status: criteria provided, single submitter. Criteria: Invitae Variant Classification Sherloc (09022015). Collection method: clinical testing. Allele origin: germline.
Comment: This sequence change replaces arginine, which is basic and polar, with cysteine, which is neutral and slightly polar, at codon 28 of the AP4S1 protein (p.Arg28Cys). This variant is present in population databases (rs112987601, gnomAD 0.006%). This variant has not been reported in the literature in individuals affected with AP4S1-related conditions. ClinVar contains an entry for this variant (Variation ID: 1694097). An algorithm developed to predict the effect of missense changes on protein structure and function (PolyPhen-2) suggests that this variant is likely to be disruptive. In summary, the available evidence is currently insufficient to determine the role of this variant in disease. Therefore, it has been classified as a Variant of Uncertain Significance.

Ambry Genetics
Classification: Uncertain significance for Inborn genetic diseases. Last evaluated: 2025-01-19. Review status: criteria provided, single submitter. Criteria: Ambry Variant Classification Scheme 2023. Collection method: clinical testing. Allele origin: germline.

Blueprint Genetics
Classification: Uncertain significance. Last evaluated: 2024-03-01. Review status: criteria provided, single submitter. Criteria: ACMG Guidelines, 2015. Collection method: clinical testing. Allele origin: germline.

Mayo Clinic Laboratories, Mayo Clinic
Classification: Uncertain significance. Last evaluated: 2021-11-12. Review status: criteria provided, single submitter. Criteria: ACMG Guidelines, 2015. Collection method: clinical testing. Allele origin: germline.